The following is an entry in ClinVar:

NM_020975.6(RET):c.2906G>A (p.Arg969Gln)

Gene: RET (ret proto-oncogene; plus strand). Cytogenetic location: 10q11.21.
Variant type: single nucleotide variant.
Coding change: c.2906G>A on transcript NM_020975.6 (MANE Select); coding-DNA position 2906, G replaced by A.
Protein change: p.Arg969Gln; replaces arginine 969 with glutamine.
Molecular consequence: missense variant.
Genome position (GRCh38, 1-based): chr10:43,123,775, G>A. VCF-style: chr10-43123775-G-A. GRCh37 (hg19) VCF-style: chr10-43619223-G-A.
Other names: c.2906G>A, p.Arg969Gln (NM_001406744.1, NM_001406759.1, NM_001406760.1 and 4 more transcripts); c.2777G>A, p.Arg926Gln (NM_001406761.1, NM_001406762.1, NM_001406764.1); c.2771G>A, p.Arg924Gln (NM_001406763.1, NM_001406765.1); c.2180G>A, p.Arg727Gln (NM_001406776.1, NM_001406777.1, NM_001406778.1 and 1 more transcripts); c.2009G>A, p.Arg670Gln (NM_001406779.1, NM_001406780.1, NM_001406781.1 and 1 more transcripts); c.1880G>A, p.Arg627Gln (NM_001406783.1, NM_001406786.1); c.1916G>A, p.Arg639Gln (NM_001406784.1); c.2618G>A, p.Arg873Gln (NM_001406766.1, NM_001406767.1, NM_001406770.1); and 10 more; short protein forms R486Q, R794Q, R823Q, R837Q, R670Q, R727Q, R873Q, R924Q.
Identifiers: ClinVar variation 1980323 (VCV001980323.7), dbSNP rs2133006493, ClinGen allele CA376557927.
Genomic context (GRCh38, chr10:43,123,775, plus strand): 5'-GAAACCCCTATCCTGGGATTCCTCCTGAGCGGCTCTTCAACCTTCTGAAGACCGGCCACC[G>A]GATGGAGAGGCCAGACAACTGCAGCGAGGAGATGTGAGCGGGGACTGGCTTTGGCCCAGC-3'
Protein context (NP_066124.1, residues 959-979): RLFNLLKTGH[Arg969Gln]MERPDNCSEE

ClinVar aggregate classification (germline): Conflicting classifications of pathogenicity. Review status: criteria provided, conflicting classifications (1 of 4 stars). 5 submissions from 5 submitters: Likely pathogenic (1); Uncertain significance (4). Last evaluated 2025-11-24.

Conditions:
Multiple endocrine neoplasia, type 2 (MEN2). Identifiers: Orphanet 653, MedGen C4048306, MONDO:0019003. Disease mechanism: gain of function.
Hereditary cancer-predisposing syndrome. Also called: Hereditary neoplastic syndrome; Hereditary Cancer Syndrome; Neoplastic Syndromes, Hereditary; Tumor predisposition. Identifiers: Orphanet 140162, MedGen C0027672, MeSH D009386, MONDO:0015356.
Aganglionic megacolon (HSCR). Also called: Hirschsprung's disease; Hirschsprung disease. Identifiers: Orphanet 388, MedGen C0019569, MeSH D006627, MONDO:0018309, HP:0002251.
RET-related disorder. Also called: RET-related disorders; RET-related condition; RET-related disease.

Allele frequency attached by ClinVar (database versions not stated): gnomAD exomes below 0.00001.
gnomAD v4.1: 1 of 1,614,146 alleles (0.000062%); highest among the groups gnomAD compares: East Asian, 0.0022%; no homozygotes.

Submissions (5):

Clinical Genetics Laboratory, Skane University Hospital Lund
Classification: Likely pathogenic for Aganglionic megacolon. Last evaluated: 2025-11-24. Review status: criteria provided, single submitter. Criteria: ACMG Guidelines, 2015. Collection method: clinical testing. Allele origin: germline. Inheritance: Autosomal dominant inheritance. Affected: yes.
Comment: PM2, PM5, PP1 and PP3.

PreventionGenetics, part of Exact Sciences
Classification: Uncertain significance for RET-related condition. Last evaluated: 2025-02-17. Review status: criteria provided, single submitter. Criteria: ACMG Guidelines, 2015. Collection method: clinical testing. Allele origin: germline.
Comment: The RET c.2906G>A variant is predicted to result in the amino acid substitution p.Arg969Gln. To our knowledge, this variant has not been reported in the literature or in a large population database (gnomAD), indicating this variant is rare. A different missense variant impacting the same amino acid residue has been reported in homozygous and heterozygous individuals presenting with total intestinal aganglionosis and congenital aganglionosis (extending from the proximal jejunum to the anorectum) (p.Arg969Trp, Inoue et al. 2000. PubMed ID: 10946353). Although we suspect that this variant may be pathogenic, at this time, the clinical significance of this variant is uncertain due to the absence of conclusive functional and genetic evidence.

Ambry Genetics
Classification: Uncertain significance for Hereditary cancer-predisposing syndrome. Last evaluated: 2024-01-10. Review status: criteria provided, single submitter. Criteria: Ambry Variant Classification Scheme 2023. Collection method: clinical testing. Allele origin: germline.
Comment: The p.R969Q variant (also known as c.2906G>A), located in coding exon 17 of the RET gene, results from a G to A substitution at nucleotide position 2906. The arginine at codon 969 is replaced by glutamine, an amino acid with highly similar properties. This amino acid position is highly conserved in available vertebrate species. In addition, this alteration is predicted to be deleterious by in silico analysis. Since supporting evidence is limited at this time, the clinical significance of this alteration remains unclear.

All of Us Research Program, National Institutes of Health
Classification: Uncertain significance for Multiple endocrine neoplasia, type 2. Last evaluated: 2024-01-08. Review status: criteria provided, single submitter. Criteria: ACMG Guidelines, 2015. Collection method: clinical testing. Allele origin: germline. Inheritance: Autosomal dominant inheritance. Observed: 3 variant alleles, 3 heterozygotes.
Comment: This missense variant replaces arginine with glutamine at codon 969 of the RET protein. Computational prediction suggests that this variant may have deleterious impact on protein structure and function (internally defined REVEL score threshold >= 0.7, PMID: 27666373). To our knowledge, functional studies have not been reported for this variant. This variant has not been reported as a germline mutation in individuals affected with hereditary cancer in the literature. This variant has not been identified in the general population by the Genome Aggregation Database (gnomAD). The available evidence is insufficient to determine the role of this variant in disease conclusively. Therefore, this variant is classified as a Variant of Uncertain Significance.

This study involves interpretation of variants in research participants for the purpose of population health screening. Participant phenotype was not available at the time of variant classification. Additional details can be found in publication PMID: 35346344, PMCID: PMC8962531

Labcorp Genetics (formerly Invitae), Labcorp
Classification: Uncertain significance for Multiple endocrine neoplasia, type 2. Last evaluated: 2022-07-29. Review status: criteria provided, single submitter. Criteria: Invitae Variant Classification Sherloc (09022015). Collection method: clinical testing. Allele origin: germline.
Comment: In summary, the available evidence is currently insufficient to determine the role of this variant in disease. Therefore, it has been classified as a Variant of Uncertain Significance. Algorithms developed to predict the effect of missense changes on protein structure and function are either unavailable or do not agree on the potential impact of this missense change (SIFT: "Deleterious"; PolyPhen-2: "Probably Damaging"; Align-GVGD: "Class C0"). This variant has not been reported in the literature in individuals affected with RET-related conditions. This variant is not present in population databases (gnomAD no frequency). This sequence change replaces arginine, which is basic and polar, with glutamine, which is neutral and polar, at codon 969 of the RET protein (p.Arg969Gln).